The following is an entry in ClinVar:

NM_001042376.3(INS-IGF2):c.240C>T (p.Asp80=)

Genes: IGF2 (insulin like growth factor 2; minus strand), INS-IGF2 (INS-IGF2 readthrough; minus strand). Cytogenetic location: 11p15.5.
Variant type: single nucleotide variant.
Coding change: c.240C>T on transcript NM_001042376.3; coding-DNA position 240, C replaced by T.
Protein change: p.Asp80=; no amino-acid change (aspartic acid 80 retained).
Molecular consequence: synonymous variant. On other transcripts: 5 prime UTR variant (1), non-coding transcript variant (1).
Genome position (GRCh38, 1-based): chr11:2,149,293, G>A on the plus strand (C>T on the coding strand, the complement: INS-IGF2 is on the minus strand). VCF-style: chr11-2149293-G-A. GRCh37 (hg19) VCF-style: chr11-2170523-G-A.
Other names: c.-416C>T (NM_001007139.6).
Identifiers: ClinVar variation 4534169 (VCV004534169.6).

ClinVar aggregate classification (germline): Likely benign (1 of 4 stars; one submission).

gnomAD v4.1: 30 of 1,613,466 alleles (0.0019%); highest among the groups gnomAD compares: South Asian, 0.0099%; no homozygotes.

Submission:

CeGaT Center for Human Genetics Tuebingen
Classification: Likely benign. Last evaluated: 2025-11-01. Review status: criteria provided, single submitter. Criteria: CeGaT Center For Human Genetics Tuebingen Variant Classification Criteria Version 2. Collection method: clinical testing. Allele origin: germline. Affected: yes. Observed: 1 variant allele.
Comment: INS-IGF2: BP4, BP7